The following is an entry in ClinVar:

NM_001009944.3(PKD1):c.11489G>C (p.Ser3830Thr)

Genes: PKD1 (polycystin 1, transient receptor potential channel interacting; minus strand), PKD1-AS1 (PKD1 antisense RNA 1; plus strand). Cytogenetic location: 16p13.3.
Variant type: single nucleotide variant.
Coding change: c.11489G>C on transcript NM_001009944.3 (MANE Select); coding-DNA position 11489, G replaced by C.
Protein change: p.Ser3830Thr; replaces serine 3830 with threonine.
Molecular consequence: missense variant.
Genome position (GRCh38, 1-based): chr16:2,091,829, C>G on the plus strand (G>C on the coding strand, the complement: PKD1 is on the minus strand). VCF-style: chr16-2091829-C-G. GRCh37 (hg19) VCF-style: chr16-2141830-C-G.
Other names: c.11486G>C, p.Ser3829Thr (NM_000296.4); short protein forms S3829T, S3830T.
Identifiers: ClinVar variation 4887023 (VCV004887023.1).

ClinVar aggregate classification (germline): Uncertain significance (1 of 4 stars; one submission).

Conditions:
Polycystic kidney disease, adult type (PKD1). Also called: Polycystic Kidney, Autosomal Dominant; POLYCYSTIC KIDNEY DISEASE, ADULT, TYPE I; Polycystic Kidney Disease 1, Autosomal Dominant; Polycystic kidney disease 1; Polycystic kidney disease 1, severe; POLYCYSTIC KIDNEY DISEASE 1 WITH OR WITHOUT POLYCYSTIC LIVER DISEASE. Identifiers: MedGen C3149841, MONDO:0008263, OMIM 173900.

gnomAD v4.1: 3 of 1,610,242 alleles (0.00019%); highest among the groups gnomAD compares: Non-Finnish European, 0.00025%; no homozygotes.

Submission:

MVZ Medizinische Genetik Mainz
Classification: Uncertain significance for Polycystic kidney disease, adult type. Last evaluated: 2026-07-20. Review status: criteria provided, single submitter. Criteria: UK Practice Guidelines For Variant Classification V4 01 2020. Collection method: clinical testing. Allele origin: germline. Inheritance: Autosomal dominant inheritance. Affected: yes. Observed: 1 variant allele.
Comment: ACMG Criteria: PM2_SUP